The following is an entry in ClinVar:

ClinVar aggregate classification (germline): Conflicting classifications of pathogenicity. Review status: criteria provided, conflicting classifications (1 of 4 stars). 12 submissions from 12 submitters: Uncertain significance (7); Likely benign (5). Last evaluated 2026-09-09.

Conditions:
Cardiovascular phenotype. Identifiers: MedGen CN230736.
TTN-related disorder. Also called: TTN-related disorders; TTN-related condition; TTN-related disease.
Dilated cardiomyopathy 1G (CMD1G). Identifiers: Orphanet 154, MedGen C1858763, MONDO:0011400, OMIM 604145.
Autosomal recessive limb-girdle muscular dystrophy type 2J (LGMDR10). Also called: Limb-girdle muscular dystrophy, type 2J; MUSCULAR DYSTROPHY, LIMB-GIRDLE, AUTOSOMAL RECESSIVE 10. Identifiers: Orphanet 140922, MedGen C1837342, MONDO:0012127, OMIM 608807.

Allele frequency attached by ClinVar (database versions not stated): gnomAD exomes 0.00008 and 0.00010; ExAC 0.00012; gnomAD 0.00015 and 0.00016; 1000 Genomes Project 30x 0.00016; TOPMed 0.00016; 1000 Genomes Project 0.00020.
gnomAD v4.1: 177 of 1,607,778 alleles (0.011%); highest among the groups gnomAD compares: African/African-American, 0.021%; no homozygotes.

Submissions (12):

PreventionGenetics, part of Exact Sciences
Classification: Uncertain significance for TTN-related condition. Last evaluated: 2026-09-09. Review status: criteria provided, single submitter. Criteria: ACMG Guidelines, 2015. Collection method: clinical testing. Allele origin: germline.
Comment: The TTN c.55673G>A variant is predicted to result in the amino acid substitution p.Arg18558His. This variant has been reported in a cohort of individuals with dilated cardiomyopathy (Table S5, Perret et al. 2024. PubMed ID: 37904629). This variant is reported in 0.025% of alleles in individuals of African descent in gnomAD. Although we suspect that this variant may be benign, at this time, the clinical significance of this variant is uncertain due to the absence of conclusive functional and genetic evidence.

Women's Health and Genetics/Laboratory Corporation of America, LabCorp
Classification: Uncertain significance. Last evaluated: 2026-03-05. Review status: criteria provided, single submitter. Criteria: LabCorp Variant Classification Summary - May 2015. Collection method: clinical testing. Allele origin: germline.
Comment: Variant summary: TTN c.47969G>A (p.Arg15990His) results in a non-conservative amino acid change located in the A-band region of the encoded protein sequence. Algorithms developed to predict the effect of missense changes on protein structure and function are either unavailable or do not agree on the potential impact of this missense change. The variant allele was found at a frequency of 7.7e-05 in 245456 control chromosomes. This frequency is not significantly higher than estimated for disease-causing variants in TTN, allowing no conclusion about variant significance. To our knowledge, no occurrence of c.47969G>A in individuals affected with TTN-related conditions and no experimental evidence demonstrating its impact on protein function have been reported. ClinVar contains an entry for this variant (Variation ID: 165965). Based on the evidence outlined above, the variant was classified as uncertain significance.

Molecular Diagnostic Laboratory for Inherited Cardiovascular Disease, Montreal Heart Institute
Classification: Likely benign. Last evaluated: 2025-04-09. Review status: criteria provided, single submitter. Criteria: ACMG Guidelines, 2015. Collection method: clinical testing. Allele origin: germline. Affected: no.

Mayo Clinic Laboratories, Mayo Clinic
Classification: Uncertain significance. Last evaluated: 2025-01-22. Review status: criteria provided, single submitter. Criteria: ACMG Guidelines, 2015. Collection method: clinical testing. Allele origin: germline. Observed: 3 variant alleles.

Athena Diagnostics
Classification: Uncertain significance. Last evaluated: 2024-09-04. Review status: criteria provided, single submitter. Criteria: Athena Diagnostics Criteria. Collection method: clinical testing. Allele origin: unknown.
Comment: Available data are insufficient to determine the clinical significance of the variant at this time. The frequency of this variant in the general population is higher than would generally be expected for pathogenic variants in this gene. PolyPhen could not make a prediction for this variant. MutationTaster predicts this amino acid change may be benign.

Blueprint Genetics
Classification: Likely benign. Last evaluated: 2023-11-14. Review status: criteria provided, single submitter. Criteria: ACMG Guidelines, 2015. Collection method: clinical testing. Allele origin: germline.

Revvity Omics, Revvity
Classification: Uncertain significance. Last evaluated: 2022-11-14. Review status: criteria provided, single submitter. Criteria: ACMG Guidelines, 2015. Collection method: clinical testing. Allele origin: germline.

Laboratory for Molecular Medicine, Mass General Brigham Personalized Medicine
Classification: Likely benign. Last evaluated: 2020-09-22. Review status: criteria provided, single submitter. Criteria: LMM Criteria. Collection method: clinical testing. Allele origin: germline. Observed: 1 variant allele.
Comment: The p.Arg15990His variant in TTN is classified as likely benign because it has been identified in 0.02% (6/24148) of African chromosomes by gnomAD. Computational prediction tools and conservation analysis do not provide strong support for or against an impact to the protein. ACMG/AMP Criteria applied: BS1.

Ambry Genetics
Classification: Likely benign for Cardiovascular phenotype. Last evaluated: 2020-07-21. Review status: criteria provided, single submitter. Criteria: Ambry Variant Classification Scheme 2023. Collection method: clinical testing. Allele origin: germline.

CeGaT Center for Human Genetics Tuebingen
Classification: Uncertain significance. Last evaluated: 2019-05-01. Review status: criteria provided, single submitter. Criteria: CeGaT Center For Human Genetics Tuebingen Variant Classification Criteria Version 2. Collection method: clinical testing. Allele origin: germline. Affected: yes. Observed: 1 variant allele.

GeneDx
Classification: Likely benign. Last evaluated: 2018-04-05. Review status: criteria provided, single submitter. Criteria: GeneDx Variant Classification (06012015). Collection method: clinical testing. Allele origin: germline. Affected: yes.
Comment: This variant is considered likely benign or benign based on one or more of the following criteria: it is a conservative change, it occurs at a poorly conserved position in the protein, it is predicted to be benign by multiple in silico algorithms, and/or has population frequency not consistent with disease.

Labcorp Genetics (formerly Invitae), Labcorp
Classification: Uncertain significance for Dilated cardiomyopathy 1G; Autosomal recessive limb-girdle muscular dystrophy type 2J. Last evaluated: 2016-12-07. Review status: criteria provided, single submitter. Criteria: Invitae Variant Classification Sherloc (09022015). Collection method: clinical testing. Allele origin: germline.

Literature cited by the submitters: PubMed 37904629 (cited by Athena Diagnostics); PubMed 29420653 (cited by Athena Diagnostics); PubMed 23675308 (cited by Athena Diagnostics).

NM_001267550.2(TTN):c.55673G>A (p.Arg18558His)

Genes: TTN-AS1 (TTN antisense RNA 1; plus strand), TTN (titin; minus strand). Cytogenetic location: 2q31.2.
Variant type: single nucleotide variant.
Coding change: c.55673G>A on transcript NM_001267550.2 (MANE Select); coding-DNA position 55673, G replaced by A.
Protein change: p.Arg18558His; replaces arginine 18558 with histidine.
Molecular consequence: missense variant.
Genome position (GRCh38, 1-based): chr2:178,601,324, C>T on the plus strand (G>A on the coding strand, the complement: TTN is on the minus strand). VCF-style: chr2-178601324-C-T. GRCh37 (hg19) VCF-style: chr2-179466051-C-T.
Other names: c.55673G>A (NM_001267550.1); c.28478G>A, p.Arg9493His (NM_003319.4); c.28853G>A, p.Arg9618His (NM_133432.3); c.29054G>A, p.Arg9685His (NM_133437.4); c.50750G>A, p.Arg16917His (NM_001256850.1); c.47969G>A, p.Arg15990His (NM_133378.4); short protein forms R15990H, R18558H, R16917H, R9685H, R9493H, R9618H.
Identifiers: ClinVar variation 165965 (VCV000165965.65), dbSNP rs115867512, ClinGen allele CA178702.